The following is an entry in ClinVar:

NM_203446.3(SYNJ1):c.*560del

Gene: SYNJ1 (synaptojanin 1; minus strand). Cytogenetic location: 21q22.11.
Variant type: Deletion.
Coding change: c.*560del on transcript NM_203446.3 (MANE Select); 560 bases downstream of the stop codon, one base deleted (G; older notation c.*560delG).
Molecular consequence: 3 prime UTR variant. On other transcripts: frameshift variant (2).
Genome position (GRCh38, 1-based): chr21:32,631,245, C deleted on the plus strand (G on the coding strand, the reverse complement: SYNJ1 is on the minus strand); the first of 2 consecutive C bases (chr21:32,631,245-32,631,246); deleting either gives the same sequence. VCF-style (leftmost placement, unchanged base first): chr21-32631244-AC-A. GRCh37 (hg19) VCF-style: chr21-34003554-AC-A.
Other names: c.*559delG (NM_001160302.2); c.4331del, p.Gly1444fs (NM_001160306.2); c.4588delG, p.Gly1530Valfs (NM_003895.4); short protein forms G1444fs, G1530fs.
Identifiers: ClinVar variation 1361368 (VCV001361368.8), dbSNP rs2145656120, ClinGen allele CA2573157386.

ClinVar aggregate classification (germline): Uncertain significance (1 of 4 stars; one submission).

Conditions:
Developmental and epileptic encephalopathy, 53. Also called: Epileptic encephalopathy, early infantile, 53. Identifiers: MedGen C4479313, MONDO:0033362, OMIM 617389.
Early-onset Parkinson disease 20. Also called: PARKINSON DISEASE 20, AUTOSOMAL RECESSIVE EARLY-ONSET. Identifiers: Orphanet 391411, MedGen C3809824, MONDO:0014233, OMIM 615530.

Submission:

Labcorp Genetics (formerly Invitae), Labcorp
Classification: Uncertain significance for Developmental and epileptic encephalopathy, 53; Early-onset Parkinson disease 20. Last evaluated: 2024-02-17. Review status: criteria provided, single submitter. Criteria: Invitae Variant Classification Sherloc (09022015). Collection method: clinical testing. Allele origin: germline.
Comment: This sequence change creates a premature translational stop signal (p.Gly1530Valfs*2) in the SYNJ1 gene. While this is not anticipated to result in nonsense mediated decay, it is expected to disrupt the last 83 amino acid(s) of the SYNJ1 protein. This variant is not present in population databases (gnomAD no frequency). This variant has not been reported in the literature in individuals affected with SYNJ1-related conditions. ClinVar contains an entry for this variant (Variation ID: 1361368). Experimental studies and prediction algorithms are not available or were not evaluated, and the functional significance of this variant is currently unknown. In summary, the available evidence is currently insufficient to determine the role of this variant in disease. Therefore, it has been classified as a Variant of Uncertain Significance.